The following is an entry in ClinVar:

NM_017547.4(FOXRED1):c.804del (p.Val269fs)

Gene: FOXRED1 (FAD dependent oxidoreductase domain containing 1; plus strand). Cytogenetic location: 11q24.2.
Variant type: Deletion.
Coding change: c.804del on transcript NM_017547.4 (MANE Select); coding-DNA position 804, one base deleted (A; older notation c.804delA).
Protein change: p.Val269fs; shifts the reading frame from valine 269.
Molecular consequence: frameshift variant. On other transcripts: non-coding transcript variant (2).
Genome position (GRCh38, 1-based): chr11:126,275,864, A deleted; the last of 2 consecutive A bases (chr11:126,275,863-126,275,864); deleting either gives the same sequence. VCF-style (leftmost placement, unchanged base first): chr11-126275862-GA-G. GRCh37 (hg19) VCF-style: chr11-126145757-GA-G.
Other names: c.804delA (NM_017547.3); c.834delA, p.Val279Serfs (NM_001425160.1); c.804delA, p.Val269Serfs (NM_001425161.1, NM_001425163.1, NM_001425165.1 and 1 more transcripts); c.801delA, p.Val268Serfs (NM_001425164.1); c.702delA, p.Val235Serfs (NM_001425167.1); c.294delA, p.Val99Serfs (NM_001425168.1, NM_001425169.1, NM_001425170.1); c.243delA, p.Val82Serfs (NM_001425171.1, NM_001425172.1); c.171delA, p.Val58Serfs (NM_001425173.1, NM_001425174.1, NM_001425175.1); short protein forms V269fs.
Identifiers: ClinVar variation 2994310 (VCV002994310.4), dbSNP rs755458223, ClinGen allele CA6354213.

ClinVar aggregate classification (germline): Pathogenic. Review status: criteria provided, multiple submitters, no conflicts (2 of 4 stars). 2 submissions from 2 submitters: Pathogenic (2). Last evaluated 2026-07-06.

Conditions:
Inborn genetic diseases. Identifiers: MedGen C0950123, MeSH D030342.

Submissions (2):

Ambry Genetics
Classification: Pathogenic for Inborn genetic diseases. Last evaluated: 2026-07-06. Review status: criteria provided, single submitter. Criteria: Ambry Variant Classification Scheme 2023. Collection method: clinical testing. Allele origin: germline.
Comment: The c.804delA (p.V269Sfs*3) alteration, located in exon 7 (coding exon 7) of the FOXRED1 gene, consists of a deletion of one nucleotide at position 804, causing a translational frameshift with a predicted alternate stop codon after 3 amino acids. This variant is expected to result in loss of function by premature protein truncation or nonsense-mediated mRNA decay. This variant was not reported in population-based cohorts in the Genome Aggregation Database (gnomAD). Based on the available evidence, this alteration is classified as pathogenic.

Labcorp Genetics (formerly Invitae), Labcorp
Classification: Pathogenic. Last evaluated: 2023-03-21. Review status: criteria provided, single submitter. Criteria: Invitae Variant Classification Sherloc (09022015). Collection method: clinical testing. Allele origin: germline.
Comment: This sequence change creates a premature translational stop signal (p.Val269Serfs*3) in the FOXRED1 gene. It is expected to result in an absent or disrupted protein product. Loss-of-function variants in FOXRED1 are known to be pathogenic (PMID: 20818383, 20858599). This variant is present in population databases (rs755458223, gnomAD 0.0009%). This variant has not been reported in the literature in individuals affected with FOXRED1-related conditions. For these reasons, this variant has been classified as Pathogenic.

Literature cited by the submitters: PubMed 20818383 (cited by Labcorp Genetics (formerly Invitae), Labcorp); PubMed 20858599 (cited by Labcorp Genetics (formerly Invitae), Labcorp).